The following is an entry in ClinVar:

ClinVar aggregate classification (germline): Uncertain significance (1 of 4 stars; one submission).

Submission:

Labcorp Genetics (formerly Invitae), Labcorp
Classification: Uncertain significance. Last evaluated: 2024-02-06. Review status: criteria provided, single submitter. Criteria: Invitae Variant Classification Sherloc (09022015). Collection method: clinical testing. Allele origin: germline.
Comment: This sequence change replaces valine, which is neutral and non-polar, with methionine, which is neutral and non-polar, at codon 406 of the GRIA3 protein (p.Val406Met). This variant is not present in population databases (gnomAD no frequency). This variant has not been reported in the literature in individuals affected with GRIA3-related conditions. Advanced modeling of protein sequence and biophysical properties (such as structural, functional, and spatial information, amino acid conservation, physicochemical variation, residue mobility, and thermodynamic stability) performed at Invitae indicates that this missense variant is not expected to disrupt GRIA3 protein function with a negative predictive value of 80%. In summary, the available evidence is currently insufficient to determine the role of this variant in disease. Therefore, it has been classified as a Variant of Uncertain Significance.

NM_007325.5(GRIA3):c.1216G>A (p.Val406Met)

Gene: GRIA3 (glutamate ionotropic receptor AMPA type subunit 3; plus strand). Cytogenetic location: Xq25.
Variant type: single nucleotide variant.
Coding change: c.1216G>A on transcript NM_007325.5 (MANE Select); coding-DNA position 1216, G replaced by A.
Protein change: p.Val406Met; replaces valine 406 with methionine.
Molecular consequence: missense variant.
Genome position (GRCh38, 1-based): chrX:123,403,442, G>A. VCF-style: chrX-123403442-G-A. GRCh37 (hg19) VCF-style: chrX-122537293-G-A.
Other names: c.1216G>A, p.Val406Met (NM_000828.5); short protein forms V406M.
Identifiers: ClinVar variation 3639241 (VCV003639241.2).
Genomic context (GRCh38, chrX:123,403,442, plus strand): 5'-GCATCCAGGTCAAATGTCTTCTCTTTCTAGGCTGGCTACTGGAATGAGTATGAAAGGTTT[G>A]TGCCTTTCTCAGATCAGCAAATCAGCAATGACAGTGCATCCTCAGAGAATCGGACCATAG-3'
Protein context (NP_015564.5, residues 396-416): AGYWNEYERF[Val406Met]PFSDQQISND